The following is an entry in ClinVar:

NM_002878.4(RAD51D):c.642A>G (p.Pro214=)

Genes: RAD51D (RAD51 paralog D; minus strand), RAD51L3-RFFL (RAD51L3-RFFL readthrough; minus strand). Cytogenetic location: 17q12.
Variant type: single nucleotide variant.
Coding change: c.642A>G on transcript NM_002878.4 (MANE Select); coding-DNA position 642, A replaced by G.
Protein change: p.Pro214=; no amino-acid change (proline 214 retained).
Molecular consequence: synonymous variant. On other transcripts: non-coding transcript variant (3).
Genome position (GRCh38, 1-based): chr17:35,103,479, T>C on the plus strand (A>G on the coding strand, the complement: RAD51D is on the minus strand). VCF-style: chr17-35103479-T-C. GRCh37 (hg19) VCF-style: chr17-33430498-T-C.
Other names: c.702A>G, p.Pro234= (NM_001142571.2); c.306A>G, p.Pro102= (NM_133629.3).
Identifiers: ClinVar variation 234099 (VCV000234099.11), dbSNP rs876660847, ClinGen allele CA10580449.
Genomic context (GRCh38, chr17:35,103,479, plus strand): 5'-ATTCCACTGGCCCCAGGCTCTGCCACATCACTCACCTTCCCTCTGCTGACCTCCCAGAAG[T>C]GGGGAAACCACCGCAGTGACCGAGTCCACAACCACCACCTTCACAGTTCCTGAAGAACCA-3'
Protein context (NP_002869.3, residues 204-224): VVDSVTAVVS[Pro214=]LLGGQQREGL

ClinVar aggregate classification (germline): Benign/Likely benign. Review status: criteria provided, multiple submitters, no conflicts (2 of 4 stars). 3 submissions from 3 submitters: Benign (1); Likely benign (2). Last evaluated 2025-02-24.

Conditions:
Hereditary cancer-predisposing syndrome. Also called: Neoplastic Syndromes, Hereditary; Tumor predisposition; Hereditary Cancer Syndrome; Hereditary neoplastic syndrome. Identifiers: Orphanet 140162, MedGen C0027672, MeSH D009386, MONDO:0015356.
Breast-ovarian cancer, familial, susceptibility to, 4. Identifiers: Orphanet 145, MedGen C3280345, MONDO:0013669, OMIM 614291.

Submissions (3):

Myriad Genetics, Inc.
Classification: Benign for Breast-ovarian cancer, familial, susceptibility to, 4. Last evaluated: 2025-02-24. Review status: criteria provided, single submitter. Criteria: Myriad Autosomal Dominant, Autosomal Recessive and X-Linked Classification Criteria (2023). Collection method: clinical testing. Allele origin: unknown.
Comment: This variant is considered benign. This variant is a silent/synonymous amino acid change and it is not expected to impact splicing.

Labcorp Genetics (formerly Invitae), Labcorp
Classification: Likely benign for Breast-ovarian cancer, familial, susceptibility to, 4. Last evaluated: 2022-02-19. Review status: criteria provided, single submitter. Criteria: Invitae Variant Classification Sherloc (09022015). Collection method: clinical testing. Allele origin: germline.

Ambry Genetics
Classification: Likely benign for Hereditary cancer-predisposing syndrome. Last evaluated: 2015-09-25. Review status: criteria provided, single submitter. Criteria: Ambry Variant Classification Scheme 2023. Collection method: clinical testing. Allele origin: germline.